The following is an entry in ClinVar:

ClinVar aggregate classification (germline): Uncertain significance (1 of 4 stars; one submission).

Conditions:
Hereditary cancer-predisposing syndrome. Also called: Tumor predisposition; Hereditary Cancer Syndrome; Neoplastic Syndromes, Hereditary; Hereditary neoplastic syndrome. Identifiers: Orphanet 140162, MedGen C0027672, MeSH D009386, MONDO:0015356.

Submission:

Ambry Genetics
Classification: Uncertain significance for Hereditary cancer-predisposing syndrome. Last evaluated: 2024-10-20. Review status: criteria provided, single submitter. Criteria: Ambry Variant Classification Scheme 2023. Collection method: clinical testing. Allele origin: germline.
Comment: The p.R2273S variant (also known as c.6819G>T), located in coding exon 46 of the ATM gene, results from a G to T substitution at nucleotide position 6819. The arginine at codon 2273 is replaced by serine, an amino acid with dissimilar properties. This amino acid position is conserved. In addition, the in silico prediction for this alteration is inconclusive. Based on the available evidence, the clinical significance of this variant remains unclear.

NM_000051.4(ATM):c.6819G>T (p.Arg2273Ser)

Genes: ATM (ATM serine/threonine kinase; plus strand), C11orf65 (chromosome 11 open reading frame 65; minus strand). Cytogenetic location: 11q22.3.
Variant type: single nucleotide variant.
Coding change: c.6819G>T on transcript NM_000051.4 (MANE Select); coding-DNA position 6819, G replaced by T.
Protein change: p.Arg2273Ser; replaces arginine 2273 with serine.
Molecular consequence: missense variant. On other transcripts: intron variant (2).
Genome position (GRCh38, 1-based): chr11:108,326,069, G>T. VCF-style: chr11-108326069-G-T. GRCh37 (hg19) VCF-style: chr11-108196796-G-T.
Other names: c.6819G>T, p.Arg2273Ser (NM_001351834.2); c.641-16998C>A (NM_001330368.2); c.*38+9151C>A (NM_001351110.2); short protein forms R2273S.
Identifiers: ClinVar variation 3452124 (VCV003452124.1).